The following is an entry in ClinVar:

NM_001082486.2(ACD):c.628T>C (p.Ser210Pro)

Gene: ACD (ACD shelterin complex subunit and telomerase recruitment factor; minus strand). Cytogenetic location: 16q22.1.
Variant type: single nucleotide variant.
Coding change: c.628T>C on transcript NM_001082486.2 (MANE Select); coding-DNA position 628, T replaced by C.
Protein change: p.Ser210Pro; replaces serine 210 with proline.
Molecular consequence: missense variant.
Genome position (GRCh38, 1-based): chr16:67,658,945, A>G on the plus strand (T>C on the coding strand, the complement: ACD is on the minus strand). VCF-style: chr16-67658945-A-G. GRCh37 (hg19) VCF-style: chr16-67692848-A-G.
Other names: c.628T>C, p.Ser210Pro (NM_001410884.1); c.619T>C, p.Ser207Pro (NM_022914.3); short protein forms S210P, S207P.
Identifiers: ClinVar variation 3479905 (VCV003479905.1).
Genomic context (GRCh38, chr16:67,658,945, plus strand): 5'-AACTCCTCACCCTGACATCTCCCAAGCAAATCCCCAGACTGACCGTGGCCTTGCATCGTG[A>G]GGCAGCCCAGTGGGTGACAGGGGGTGCTGTGCAAGGGCCCTCCAGTGTCAGGCAGCTTTC-3'
Protein context (NP_001075955.2, residues 200-220): TAPPVTHWAA[Ser210Pro]RCKATGEAVY

ClinVar aggregate classification (germline): Uncertain significance (1 of 4 stars; one submission).

Conditions:
Inborn genetic diseases. Identifiers: MedGen C0950123, MeSH D030342.

Submission:

Ambry Genetics
Classification: Uncertain significance for Inborn genetic diseases. Last evaluated: 2024-09-23. Review status: criteria provided, single submitter. Criteria: Ambry Variant Classification Scheme 2023. Collection method: clinical testing. Allele origin: germline.
Comment: The p.S296P variant (also known as c.886T>C), located in coding exon 7 of the ACD gene, results from a T to C substitution at nucleotide position 886. The serine at codon 296 is replaced by proline, an amino acid with similar properties. This amino acid position is conserved. In addition, this alteration is predicted to be tolerated by in silico analysis. Based on the available evidence, the clinical significance of this variant remains unclear.